The following is an entry in ClinVar:

NM_024411.5(PDYN):c.*1030C>T

Genes: PDYN (prodynorphin; minus strand), PDYN-AS1 (PDYN antisense RNA 1; plus strand). Cytogenetic location: 20p13.
Variant type: single nucleotide variant.
Coding change: c.*1030C>T on transcript NM_024411.5 (MANE Select); 1030 bases downstream of the stop codon, C replaced by T.
Molecular consequence: 3 prime UTR variant.
Genome position (GRCh38, 1-based): chr20:1,979,293, G>A on the plus strand (C>T on the coding strand, the complement: PDYN is on the minus strand). VCF-style: chr20-1979293-G-A. GRCh37 (hg19) VCF-style: chr20-1959939-G-A.
Other names: c.*1030C>T (NM_001190899.2, NM_001190900.1, NM_001190892.1 and 1 more transcripts).
Identifiers: ClinVar variation 337814 (VCV000337814.6), dbSNP rs2235749, ClinGen allele CA10649390.

ClinVar aggregate classification (germline): Benign. Review status: criteria provided, multiple submitters, no conflicts (2 of 4 stars). 2 submissions from 2 submitters: Benign (2). Last evaluated 2018-01-13.

Conditions:
Spinocerebellar ataxia type 23 (SCA23). Identifiers: Orphanet 101108, MedGen C1853250, MONDO:0012449, OMIM 610245.

Allele frequency attached by ClinVar (database versions not stated): gnomAD exomes 0.35560; gnomAD 0.36165 and 0.37135; TOPMed 0.37916; 1000 Genomes Project 30x 0.50734; 1000 Genomes Project 0.51298.

Submissions (2):

Illumina Laboratory Services, Illumina
Classification: Benign for Spinocerebellar ataxia type 23. Last evaluated: 2018-01-13. Review status: criteria provided, single submitter. Criteria: ICSL Variant Classification Criteria 13 December 2019. Collection method: clinical testing. Allele origin: germline.
Comment: This variant was observed in the ICSL laboratory as part of a predisposition screen in an ostensibly healthy population. It had not been previously curated by ICSL or reported in the Human Gene Mutation Database (HGMD: prior to June 1st, 2018), and was therefore a candidate for classification through an automated scoring system. Utilizing variant allele frequency, disease prevalence and penetrance estimates, and inheritance mode, an automated score was calculated to assess if this variant is too frequent to cause the disease. Based on the score and internal cut-off values, a variant classified as benign is not then subjected to further curation. The score for this variant resulted in a classification of benign for this disease.

Breakthrough Genomics
Classification: Benign. Review status: criteria provided, single submitter. Criteria: ACMG Guidelines, 2015. Collection method: not provided. Allele origin: germline. Inheritance: Autosomal dominant inheritance. Affected: yes.